The following is an entry in ClinVar:

ClinVar aggregate classification (germline): Uncertain significance. Review status: criteria provided, multiple submitters, no conflicts (2 of 4 stars). 2 submissions from 2 submitters: Uncertain significance (2). Last evaluated 2025-10-29.

Conditions:
Hereditary cancer-predisposing syndrome. Also called: Tumor predisposition; Hereditary Cancer Syndrome; Hereditary neoplastic syndrome; Neoplastic Syndromes, Hereditary. Identifiers: Orphanet 140162, MedGen C0027672, MeSH D009386, MONDO:0015356.

Allele frequency attached by ClinVar (database versions not stated): TOPMed 0.00002.

Submissions (2):

Labcorp Genetics (formerly Invitae), Labcorp
Classification: Uncertain significance. Last evaluated: 2025-10-29. Review status: criteria provided, single submitter. Criteria: Invitae Variant Classification Sherloc (09022015). Collection method: clinical testing. Allele origin: germline.
Comment: This sequence change replaces serine, which is neutral and polar, with cysteine, which is neutral and slightly polar, at codon 203 of the HOXB13 protein (p.Ser203Cys). This variant is not present in population databases (gnomAD no frequency). This variant has not been reported in the literature in individuals affected with HOXB13-related conditions. ClinVar contains an entry for this variant (Variation ID: 1466621). Invitae Evidence Modeling of protein sequence and biophysical properties (such as structural, functional, and spatial information, amino acid conservation, physicochemical variation, residue mobility, and thermodynamic stability) indicates that this missense variant is not expected to disrupt HOXB13 protein function with a negative predictive value of 80%. In summary, the available evidence is currently insufficient to determine the role of this variant in disease. Therefore, it has been classified as a Variant of Uncertain Significance.

Ambry Genetics
Classification: Uncertain significance for Hereditary cancer-predisposing syndrome. Last evaluated: 2024-05-04. Review status: criteria provided, single submitter. Criteria: Ambry Variant Classification Scheme 2023. Collection method: clinical testing. Allele origin: germline.
Comment: The p.S203C variant (also known as c.607A>T), located in coding exon 2 of the HOXB13 gene, results from an A to T substitution at nucleotide position 607. The serine at codon 203 is replaced by cysteine, an amino acid with dissimilar properties. This amino acid position is conserved. In addition, this alteration is predicted to be tolerated by in silico analysis. Since supporting evidence is limited at this time, the clinical significance of this alteration remains unclear.

NM_006361.6(HOXB13):c.607A>T (p.Ser203Cys)

Gene: HOXB13 (homeobox B13; minus strand). Cytogenetic location: 17q21.32.
Variant type: single nucleotide variant.
Coding change: c.607A>T on transcript NM_006361.6 (MANE Select); coding-DNA position 607, A replaced by T.
Protein change: p.Ser203Cys; replaces serine 203 with cysteine.
Molecular consequence: missense variant.
Genome position (GRCh38, 1-based): chr17:48,727,038, T>A on the plus strand (A>T on the coding strand, the complement: HOXB13 is on the minus strand). VCF-style: chr17-48727038-T-A. GRCh37 (hg19) VCF-style: chr17-46804400-T-A.
Other names: short protein forms S203C.
Identifiers: ClinVar variation 1466621 (VCV001466621.9), dbSNP rs1300131984, ClinGen allele CA400107066.